The following is an entry in ClinVar:

ClinVar aggregate classification (germline): Uncertain significance (1 of 4 stars; one submission).

Allele frequency attached by ClinVar (database versions not stated): gnomAD 0.00001; gnomAD exomes 0.00001; TOPMed 0.00003.

Submission:

Labcorp Genetics (formerly Invitae), Labcorp
Classification: Uncertain significance. Last evaluated: 2024-04-07. Review status: criteria provided, single submitter. Criteria: Invitae Variant Classification Sherloc (09022015). Collection method: clinical testing. Allele origin: germline.
Comment: This sequence change replaces threonine, which is neutral and polar, with methionine, which is neutral and non-polar, at codon 117 of the ITGAM protein (p.Thr117Met). This variant is present in population databases (no rsID available, gnomAD 0.003%). This variant has not been reported in the literature in individuals affected with ITGAM-related conditions. Algorithms developed to predict the effect of missense changes on protein structure and function output the following: SIFT: "Not Available"; PolyPhen-2: "Benign"; Align-GVGD: "Not Available". The methionine amino acid residue is found in multiple mammalian species, which suggests that this missense change does not adversely affect protein function. In summary, the available evidence is currently insufficient to determine the role of this variant in disease. Therefore, it has been classified as a Variant of Uncertain Significance.

NM_000632.4(ITGAM):c.350C>T (p.Thr117Met)

Genes: ITGAM (integrin subunit alpha M; plus strand), LOC126862331 (P300/CBP strongly-dependent group 1 enhancer GRCh37_chr16:31276375-31277574; plus strand). Cytogenetic location: 16p11.2.
Variant type: single nucleotide variant.
Coding change: c.350C>T on transcript NM_000632.4 (MANE Select); coding-DNA position 350, C replaced by T.
Protein change: p.Thr117Met; replaces threonine 117 with methionine.
Molecular consequence: missense variant.
Genome position (GRCh38, 1-based): chr16:31,266,070, C>T. VCF-style: chr16-31266070-C-T. GRCh37 (hg19) VCF-style: chr16-31277391-C-T.
Other names: c.350C>T, p.Thr117Met (NM_001145808.2); short protein forms T117M.
Identifiers: ClinVar variation 2994584 (VCV002994584.3), dbSNP rs903204583, ClinGen allele CA280602908.